The following is an entry in ClinVar:

ClinVar aggregate classification (germline): Uncertain significance (1 of 4 stars; one submission).

Conditions:
Familial acute necrotizing encephalopathy (IIAE3). Also called: ENCEPHALOPATHY, ACUTE, INFECTION-INDUCED, SUSCEPTIBILITY TO, 3; Susceptibility to Acute Necrotizing Encephalopathy 1. Identifiers: Orphanet 88619, MedGen C2675556, MONDO:0011953, OMIM 608033.

Allele frequency attached by ClinVar (database versions not stated): gnomAD exomes below 0.00001.
gnomAD v4.1: 2 of 1,613,704 alleles (0.00012%); highest among the groups gnomAD compares: South Asian, 0.0011%; no homozygotes.

Submission:

Labcorp Genetics (formerly Invitae), Labcorp
Classification: Uncertain significance for Familial acute necrotizing encephalopathy. Last evaluated: 2021-01-01. Review status: criteria provided, single submitter. Criteria: Invitae Variant Classification Sherloc (09022015). Collection method: clinical testing. Allele origin: germline.
Comment: In summary, the available evidence is currently insufficient to determine the role of this variant in disease. Therefore, it has been classified as a Variant of Uncertain Significance. Algorithms developed to predict the effect of missense changes on protein structure and function are either unavailable or do not agree on the potential impact of this missense change (SIFT: "Tolerated"; PolyPhen-2: "Possibly Damaging"; Align-GVGD: "Class C0"). This variant has not been reported in the literature in individuals with RANBP2-related conditions. This variant is not present in population databases (ExAC no frequency). This sequence change replaces glutamic acid with lysine at codon 2769 of the RANBP2 protein (p.Glu2769Lys). The glutamic acid residue is highly conserved and there is a small physicochemical difference between glutamic acid and lysine.

NM_006267.5(RANBP2):c.8305G>A (p.Glu2769Lys)

Gene: RANBP2 (RAN binding protein 2; plus strand). Cytogenetic location: 2q13.
Variant type: single nucleotide variant.
Coding change: c.8305G>A on transcript NM_006267.5 (MANE Select); coding-DNA position 8305, G replaced by A.
Protein change: p.Glu2769Lys; replaces glutamic acid 2769 with lysine.
Molecular consequence: missense variant.
Genome position (GRCh38, 1-based): chr2:108,775,744, G>A. VCF-style: chr2-108775744-G-A. GRCh37 (hg19) VCF-style: chr2-109392200-G-A.
Other names: short protein forms E2769K.
Identifiers: ClinVar variation 1361492 (VCV001361492.9), dbSNP rs1229597541, ClinGen allele CA348083118.